The following is an entry in ClinVar:

NM_003172.4(SURF1):c.248G>A (p.Arg83His)

Gene: SURF1 (SURF1 cytochrome c oxidase assembly factor; minus strand). Cytogenetic location: 9q34.2.
Variant type: single nucleotide variant.
Coding change: c.248G>A on transcript NM_003172.4 (MANE Select); coding-DNA position 248, G replaced by A.
Protein change: p.Arg83His; replaces arginine 83 with histidine.
Molecular consequence: missense variant. On other transcripts: 5 prime UTR variant (1).
Genome position (GRCh38, 1-based): chr9:133,354,734, C>T on the plus strand (G>A on the coding strand, the complement: SURF1 is on the minus strand). VCF-style: chr9-133354734-C-T. GRCh37 (hg19) VCF-style: chr9-136221589-C-T.
Other names: c.-80G>A (NM_001280787.1); c.248G>A (NM_003172.2); short protein forms R83H.
Identifiers: ClinVar variation 1494482 (VCV001494482.6), dbSNP rs1370356387, ClinGen allele CA375694688.
Genomic context (GRCh38, chr9:133,354,734, plus strand): 5'-ACAGGCTCAGCCAGAACTCTGGACTCCAACTCTGCAATCAGGTTCAGCTTCCACTTCCGA[C>T]GCTGGACCTACAGTGACAGAGCATAAGGCCAAGCAGATGGCAGCAAGGTCAAGGGCCCAG-3'
Protein context (NP_003163.1, residues 73-93): AFGLGTWQVQ[Arg83His]RKWKLNLIAE

ClinVar aggregate classification (germline): Uncertain significance. Review status: criteria provided, multiple submitters, no conflicts (2 of 4 stars). 3 submissions from 3 submitters: Uncertain significance (3). Last evaluated 2026-01-11.

Conditions:
Inborn genetic diseases. Identifiers: MedGen C0950123, MeSH D030342.
Leigh syndrome (NULS). Also called: Leigh's necrotizing encephalopathy; Leigh's disease; Leigh Syndrome (mtDNA deletion); Leigh's syndrome; Leigh Disease; Subacute necrotizing encephalopathy. Identifiers: Orphanet 506, MedGen C2931891, MONDO:0009723, OMIM 256000.

Allele frequency attached by ClinVar (database versions not stated): gnomAD 0.00001; TOPMed 0.00003.

Submissions (3):

Dasa
Classification: Uncertain significance. Last evaluated: 2026-01-11. Review status: criteria provided, single submitter. Criteria: DASA Assertion Criteria. Collection method: clinical testing. Allele origin: germline.
Comment: NM_003172.4(SURF1):c.248G>A (p.Arg83His) is a missense variant that results in the substitution of arginine with histidine. This variant is rare in population databases. Computational prediction algorithms are consistent with a deleterious effect. The currently available literature and clinical evidence are not sufficient to establish a definitive association between this variant and the reported condition. Therefore, this variant is classified as a variant of uncertain significance.

Ambry Genetics
Classification: Uncertain significance for Inborn genetic diseases. Last evaluated: 2024-03-25. Review status: criteria provided, single submitter. Criteria: Ambry Variant Classification Scheme 2023. Collection method: clinical testing. Allele origin: germline.

Labcorp Genetics (formerly Invitae), Labcorp
Classification: Uncertain significance for Leigh syndrome. Last evaluated: 2022-08-23. Review status: criteria provided, single submitter. Criteria: Invitae Variant Classification Sherloc (09022015). Collection method: clinical testing. Allele origin: germline.
Comment: This sequence change replaces arginine, which is basic and polar, with histidine, which is basic and polar, at codon 83 of the SURF1 protein (p.Arg83His). This variant is present in population databases (no rsID available, gnomAD 0.006%). This variant has not been reported in the literature in individuals affected with SURF1-related conditions. ClinVar contains an entry for this variant (Variation ID: 1494482). Algorithms developed to predict the effect of missense changes on protein structure and function (SIFT, PolyPhen-2, Align-GVGD) all suggest that this variant is likely to be disruptive. In summary, the available evidence is currently insufficient to determine the role of this variant in disease. Therefore, it has been classified as a Variant of Uncertain Significance.